The following is an entry in ClinVar:

ClinVar aggregate classification (germline): Likely pathogenic (1 of 4 stars; one submission).

Conditions:
Spastic paraplegia 84, autosomal recessive (SPG84). Identifiers: Orphanet 631079, MedGen C5562025, MONDO:0030482, OMIM 619621.
Gastrointestinal defects and immunodeficiency syndrome 2 (GIDID2). Also called: MULTIPLE INTESTINAL ATRESIA WITH OR WITHOUT LEUKOPENIA. Identifiers: MedGen C5676901, MONDO:0030669, OMIM 619708.
Polymicrogyria, perisylvian, with cerebellar hypoplasia and arthrogryposis (NEDSPLB). Identifiers: MedGen C4225295, MONDO:0014679, OMIM 616531.

Submission:

First Genomix Gene Laboratory, Genetic Diagnostics Department
Classification: Likely pathogenic for Gastrointestinal defects and immunodeficiency syndrome 2; Polymicrogyria, perisylvian, with cerebellar hypoplasia and arthrogryposis; Spastic paraplegia 84, autosomal recessive. Last evaluated: 2025-04-30. Review status: criteria provided, single submitter. Criteria: ACMG Guidelines, 2015. Collection method: clinical testing. Allele origin: germline. Inheritance: Autosomal recessive inheritance. Affected: no. Observed: 1 variant allele.

NM_058004.4(PI4KA):c.4160+1G>A

Gene: PI4KA (phosphatidylinositol 4-kinase alpha; minus strand). Cytogenetic location: 22q11.21.
Variant type: single nucleotide variant.
Coding change: c.4160+1G>A on transcript NM_058004.4 (MANE Select); the canonical splice donor site of the intron after coding-DNA position 4160, G replaced by A.
Molecular consequence: splice donor variant.
Genome position (GRCh38, 1-based): chr22:20,733,735, C>T on the plus strand (G>A on the coding strand, the complement: PI4KA is on the minus strand). VCF-style: chr22-20733735-C-T. GRCh37 (hg19) VCF-style: chr22-21088023-C-T.
Other names: c.4094+1G>A (NM_001362863.2); c.4067+1G>A (NM_001362862.2).
Identifiers: ClinVar variation 4845912 (VCV004845912.1).